The following is an entry in ClinVar:

NM_001844.5(COL2A1):c.1527+2T>A

Gene: COL2A1 (collagen type II alpha 1 chain; minus strand). Cytogenetic location: 12q13.11.
Variant type: single nucleotide variant.
Coding change: c.1527+2T>A on transcript NM_001844.5 (MANE Select); the canonical splice donor site of the intron after coding-DNA position 1527, T replaced by A.
Molecular consequence: splice donor variant.
Genome position (GRCh38, 1-based): chr12:47,986,334, A>T on the plus strand (T>A on the coding strand, the complement: COL2A1 is on the minus strand). VCF-style: chr12-47986334-A-T. GRCh37 (hg19) VCF-style: chr12-48380117-A-T.
Other names: c.1320+2T>A (NM_033150.3).
Identifiers: ClinVar variation 3382621 (VCV003382621.2).

ClinVar aggregate classification (germline): Likely pathogenic (1 of 4 stars; one submission).

Conditions:
Stickler syndrome type 1 (STL1). Also called: ARTHROOPHTHALMOPATHY, HEREDITARY PROGRESSIVE; STICKLER SYNDROME, MEMBRANOUS VITREOUS TYPE; STICKLER SYNDROME, VITREOUS TYPE 1; COL2A1-Related Stickler Syndrome. Identifiers: Orphanet 828, Orphanet 90653, MedGen C2020284, MONDO:0007160, OMIM 108300.

Submission:

Juno Genomics, Hangzhou Juno Genomics, Inc
Classification: Likely pathogenic for Stickler syndrome type 1. Review status: criteria provided, single submitter. Criteria: ACMG Guidelines, 2015. Collection method: clinical testing. Allele origin: germline. Affected: yes.
Comment: Absent from controls (or at extremely low frequency if recessive) in Genome Aggregation Database, Exome Sequencing Project, 1000 Genomes Project, or Exome Aggregation Consortium.;Null variant in a gene where loss of function (LOF) is a known mechanism of disease.;Patient's phenotype or family history is highly specific for a disease with a single genetic etiology.